The following is an entry in ClinVar:

ClinVar aggregate classification (germline): Uncertain significance (1 of 4 stars; one submission).

Conditions:
Cardiovascular phenotype. Identifiers: MedGen CN230736.

Submission:

Ambry Genetics
Classification: Uncertain significance for Cardiovascular phenotype. Last evaluated: 2024-03-27. Review status: criteria provided, single submitter. Criteria: Ambry Variant Classification Scheme 2023. Collection method: clinical testing. Allele origin: germline.
Comment: The p.A2070S variant (also known as c.6208G>T), located in coding exon 2 of the ZNF469 gene, results from a G to T substitution at nucleotide position 6208. The alanine at codon 2070 is replaced by serine, an amino acid with similar properties. This amino acid position is conserved. In addition, this alteration is predicted to be tolerated by in silico analysis. Based on the available evidence, the clinical significance of this alteration remains unclear.

NM_001367624.2(ZNF469):c.6292G>T (p.Ala2098Ser)

Gene: ZNF469 (zinc finger protein 469; plus strand). Cytogenetic location: 16q24.2.
Variant type: single nucleotide variant.
Coding change: c.6292G>T on transcript NM_001367624.2 (MANE Select); coding-DNA position 6292, G replaced by T.
Protein change: p.Ala2098Ser; replaces alanine 2098 with serine.
Molecular consequence: missense variant.
Genome position (GRCh38, 1-based): chr16:88,433,762, G>T. VCF-style: chr16-88433762-G-T. GRCh37 (hg19) VCF-style: chr16-88500170-G-T.
Other names: NM_001127464.1:c.6208G>T; short protein forms A2098S.
Identifiers: ClinVar variation 3258219 (VCV003258219.1).
Genomic context (GRCh38, chr16:88,433,762, plus strand): 5'-GGATCTGAGGGCCGGACTCCAGAGAGGGCGTCCAGCCCCGGCCTGAACAAGCCACTGCTG[G>T]CCACAGGGGATAGCCCAGCACCCTCTGTCGGGGACCTGGCCGCCTGCGCCCCCTCACCCA-3'
Protein context (NP_001354553.1, residues 2088-2108): SSPGLNKPLL[Ala2098Ser]TGDSPAPSVG